The following is an entry in ClinVar:

ClinVar aggregate classification (germline): Uncertain significance. Review status: criteria provided, multiple submitters, no conflicts (2 of 4 stars). 2 submissions from 2 submitters: Uncertain significance (2). Last evaluated 2023-11-27.

Conditions:
Pitt-Hopkins-like syndrome 2 (PTHSL2). Identifiers: Orphanet 221150, Orphanet 600663, MedGen C3280479, MONDO:0013690, OMIM 614325.

Allele frequency attached by ClinVar (database versions not stated): gnomAD exomes below 0.00001.
gnomAD v4.1: 5 of 1,606,992 alleles (0.00031%); highest among the groups gnomAD compares: African/African-American, 0.0013%; no homozygotes.

Submissions (2):

Labcorp Genetics (formerly Invitae), Labcorp
Classification: Uncertain significance for Pitt-Hopkins-like syndrome 2. Last evaluated: 2023-11-27. Review status: criteria provided, single submitter. Criteria: Invitae Variant Classification Sherloc (09022015). Collection method: clinical testing. Allele origin: germline.
Comment: This sequence change affects codon 626 of the NRXN1 mRNA. It is a 'silent' change, meaning that it does not change the encoded amino acid sequence of the NRXN1 protein. This variant is not present in population databases (gnomAD no frequency). This variant has not been reported in the literature in individuals affected with NRXN1-related conditions. ClinVar contains an entry for this variant (Variation ID: 834224). Algorithms developed to predict the effect of sequence changes on RNA splicing suggest that this variant may disrupt the consensus splice site. In summary, the available evidence is currently insufficient to determine the role of this variant in disease. Therefore, it has been classified as a Variant of Uncertain Significance.

GeneDx
Classification: Uncertain significance. Last evaluated: 2019-09-19. Review status: criteria provided, single submitter. Criteria: GeneDx Variant Classification Process June 2021. Collection method: clinical testing. Allele origin: germline. Affected: yes.
Comment: Not observed in large population cohorts (Lek et al., 2016); Has not been previously published as pathogenic or benign to our knowledge; In silico analysis, which includes splice predictors and evolutionary conservation, suggests this variant may impact gene splicing. In the absence of RNA/functional studies, the actual effect of this sequence change is unknown.

NM_001330078.2(NRXN1):c.1758A>G (p.Ser586=)

Gene: NRXN1 (neurexin 1; minus strand). Cytogenetic location: 2p16.3.
Variant type: single nucleotide variant.
Coding change: c.1758A>G on transcript NM_001330078.2 (MANE Select); coding-DNA position 1758, A replaced by G.
Protein change: p.Ser586=; no amino-acid change (serine 586 retained).
Molecular consequence: synonymous variant.
Genome position (GRCh38, 1-based): chr2:50,552,588, T>C on the plus strand (A>G on the coding strand, the complement: NRXN1 is on the minus strand). VCF-style: chr2-50552588-T-C. GRCh37 (hg19) VCF-style: chr2-50779726-T-C.
Other names: c.1758A>G, p.Ser586= (NM_001330086.2, NM_004801.6, NM_001330085.2); c.1674A>G, p.Ser558= (NM_001330087.2, NM_001330096.2); c.1704A>G, p.Ser568= (NM_001330088.2); c.1755A>G, p.Ser585= (NM_001330093.2); c.1746A>G, p.Ser582= (NM_001330094.2); c.1734A>G, p.Ser578= (NM_001330095.2, NM_001330077.2, NM_001330082.2); c.1878A>G, p.Ser626= (NM_001135659.3); c.1719A>G, p.Ser573= (NM_001330083.2, NM_001330084.2).
Identifiers: ClinVar variation 834224 (VCV000834224.11), dbSNP rs1667693192, ClinGen allele CA426023396.